The following is an entry in ClinVar:

ClinVar aggregate classification (germline): Benign (1 of 4 stars; one submission).

Submission:

ISCA site 15
Classification: Benign. Last evaluated: 2011-08-12. Review status: criteria provided, single submitter. Criteria: Kaminsky et al. (Genet Med. 2011). Collection method: clinical testing. Allele origin: paternal. Affected: yes. Observed: 1 variant allele.
Comment: Copy number variation identified through the course of routine clinical cytogenomic testing in postnatal populations. Clinical assertions have been curated as described in Kaminsky et al. 2011.

GRCh38/hg38 17q12(chr17:35360337-35411448)x1

Genes: SLFN11 (schlafen family member 11; minus strand), SLFN12 (schlafen family member 12; minus strand), LOC105371933 (uncharacterized LOC105371933; plus strand), LOC130060718 (ATAC-STARR-seq lymphoblastoid active region 12062; plus strand), LOC130060719 (ATAC-STARR-seq lymphoblastoid active region 12063; plus strand) and 3 more. Cytogenetic location: 17q12.
Variant type: copy number loss.
Change: copy number 1 (one copy instead of two) of chr17:35,360,337-35,411,448 (51.1 kb, GRCh38 coordinates, 1-based), cytogenetic band 17q12.
Identifiers: ClinVar variation 160916 (VCV000160916.1).